The following is an entry in ClinVar:

NM_001134831.2(AHI1):c.1205del (p.Pro402fs)

Gene: AHI1 (Abelson helper integration site 1; minus strand). Cytogenetic location: 6q23.3.
Variant type: Deletion.
Coding change: c.1205del on transcript NM_001134831.2 (MANE Select); coding-DNA position 1205, one base deleted (C; older notation c.1205delC).
Protein change: p.Pro402fs; shifts the reading frame from proline 402.
Molecular consequence: frameshift variant.
Genome position (GRCh38, 1-based): chr6:135,455,873, G deleted on the plus strand (C on the coding strand, the reverse complement: AHI1 is on the minus strand); the first of 2 consecutive G bases (chr6:135,455,873-135,455,874); deleting either gives the same sequence. VCF-style (leftmost placement, unchanged base first): chr6-135455872-AG-A. GRCh37 (hg19) VCF-style: chr6-135777010-AG-A.
Other names: c.1205del, p.Pro402fs (NM_001350503.2, NM_001350504.2, NM_017651.5 and 2 more transcripts); c.1205del (NM_017651.4); short protein forms P402fs.
Identifiers: ClinVar variation 202167 (VCV000202167.9), dbSNP rs794729195, ClinGen allele CA275456.

ClinVar aggregate classification (germline): Pathogenic/Likely pathogenic. Review status: criteria provided, multiple submitters, no conflicts (2 of 4 stars). 3 submissions from 3 submitters: Pathogenic (2); Likely pathogenic (1). Last evaluated 2024-05-31.

Conditions:
Joubert syndrome 1 (JBTS1). Also called: Cerebellooculorenal syndrome 1; CEREBELLOPARENCHYMAL DISORDER IV. Identifiers: MedGen C4551568, MONDO:0008944, OMIM 213300.
Joubert syndrome. Also called: Familial aplasia of the vermis; JOUBERT-BOLTSHAUSER SYNDROME. Identifiers: Orphanet 475, MedGen C5979921, MONDO:0018772.

Submissions (3):

GeneDx
Classification: Pathogenic. Last evaluated: 2024-05-31. Review status: criteria provided, single submitter. Criteria: GeneDx Variant Classification Process June 2021. Collection method: clinical testing. Allele origin: germline. Affected: yes.
Comment: Frameshift variant predicted to result in protein truncation or nonsense mediated decay in a gene for which loss of function is a known mechanism of disease; Not observed at significant frequency in large population cohorts (gnomAD); This variant is associated with the following publications: (PMID: 32865313, 29186038)

Labcorp Genetics (formerly Invitae), Labcorp
Classification: Pathogenic for Joubert syndrome. Last evaluated: 2024-02-04. Review status: criteria provided, single submitter. Criteria: Invitae Variant Classification Sherloc (09022015). Collection method: clinical testing. Allele origin: germline.
Comment: This sequence change creates a premature translational stop signal (p.Pro402Leufs*3) in the AHI1 gene. It is expected to result in an absent or disrupted protein product. Loss-of-function variants in AHI1 are known to be pathogenic (PMID: 15322546, 16453322, 28442542, 29186038). This variant is not present in population databases (gnomAD no frequency). This premature translational stop signal has been observed in individual(s) with clinical features of Joubert syndrome (PMID: 29186038). ClinVar contains an entry for this variant (Variation ID: 202167). For these reasons, this variant has been classified as Pathogenic.

Mendelics
Classification: Likely pathogenic for Joubert syndrome 1. Last evaluated: 2019-05-28. Review status: criteria provided, single submitter. Criteria: Mendelics Assertion Criteria 2017. Collection method: clinical testing. Allele origin: unknown.

Literature cited by the submitters: PubMed 15322546 (cited by Labcorp Genetics (formerly Invitae), Labcorp); PubMed 16453322 (cited by Labcorp Genetics (formerly Invitae), Labcorp); PubMed 28442542 (cited by Labcorp Genetics (formerly Invitae), Labcorp); PubMed 29186038 (cited by Labcorp Genetics (formerly Invitae), Labcorp).